The following is an entry in ClinVar:

NM_030957.4(ADAMTS10):c.194G>A (p.Arg65His)

Gene: ADAMTS10 (ADAM metallopeptidase with thrombospondin type 1 motif 10; minus strand). Cytogenetic location: 19p13.2.
Variant type: single nucleotide variant.
Coding change: c.194G>A on transcript NM_030957.4 (MANE Select); coding-DNA position 194, G replaced by A.
Protein change: p.Arg65His; replaces arginine 65 with histidine.
Molecular consequence: missense variant.
Genome position (GRCh38, 1-based): chr19:8,605,253, C>T on the plus strand (G>A on the coding strand, the complement: ADAMTS10 is on the minus strand). VCF-style: chr19-8605253-C-T. GRCh37 (hg19) VCF-style: chr19-8670138-C-T.
Other names: c.194G>A (NM_030957.2); short protein forms R65H.
Identifiers: ClinVar variation 2968870 (VCV002968870.4), dbSNP rs1038994297, ClinGen allele CA305002630.

ClinVar aggregate classification (germline): Uncertain significance. Review status: criteria provided, multiple submitters, no conflicts (2 of 4 stars). 2 submissions from 2 submitters: Uncertain significance (2). Last evaluated 2025-09-15.

Conditions:
Inborn genetic diseases. Identifiers: MedGen C0950123, MeSH D030342.

Allele frequency attached by ClinVar (database versions not stated): TOPMed 0.00001; gnomAD exomes 0.00001.
gnomAD v4.1: 9 of 1,613,016 alleles (0.00056%); highest among the groups gnomAD compares: East Asian, 0.0022%; no homozygotes.

Submissions (2):

Labcorp Genetics (formerly Invitae), Labcorp
Classification: Uncertain significance. Last evaluated: 2025-09-15. Review status: criteria provided, single submitter. Criteria: Invitae Variant Classification Sherloc (09022015). Collection method: clinical testing. Allele origin: germline.
Comment: This sequence change replaces arginine, which is basic and polar, with histidine, which is basic and polar, at codon 65 of the ADAMTS10 protein (p.Arg65His). This variant is present in population databases (no rsID available, gnomAD 0.003%). This variant has not been reported in the literature in individuals affected with ADAMTS10-related conditions. ClinVar contains an entry for this variant (Variation ID: 2968870). An algorithm developed to predict the effect of missense changes on protein structure and function (PolyPhen-2) suggests that this variant is likely to be disruptive. In summary, the available evidence is currently insufficient to determine the role of this variant in disease. Therefore, it has been classified as a Variant of Uncertain Significance.

Ambry Genetics
Classification: Uncertain significance for Inborn genetic diseases. Last evaluated: 2023-10-13. Review status: criteria provided, single submitter. Criteria: Ambry Variant Classification Scheme 2023. Collection method: clinical testing. Allele origin: germline.